The following is an entry in ClinVar:

ClinVar aggregate classification (germline): Likely benign (1 of 4 stars; one submission).

Allele frequency attached by ClinVar (database versions not stated): gnomAD 0.00001; ExAC 0.00002.
gnomAD v4.1: 8 of 1,614,030 alleles (0.0005%); highest among the groups gnomAD compares: East Asian, 0.0022%; no homozygotes.

Submission:

CeGaT Center for Human Genetics Tuebingen
Classification: Likely benign. Last evaluated: 2022-10-01. Review status: criteria provided, single submitter. Criteria: CeGaT Center For Human Genetics Tuebingen Variant Classification Criteria Version 2. Collection method: clinical testing. Allele origin: germline. Affected: yes. Observed: 1 variant allele.
Comment: SV2A: BP4, BP7

NM_014849.5(SV2A):c.735C>T (p.Phe245=)

Gene: SV2A (synaptic vesicle glycoprotein 2A; minus strand). Cytogenetic location: 1q21.2.
Variant type: single nucleotide variant.
Coding change: c.735C>T on transcript NM_014849.5 (MANE Select); coding-DNA position 735, C replaced by T.
Protein change: p.Phe245=; no amino-acid change (phenylalanine 245 retained).
Molecular consequence: synonymous variant.
Genome position (GRCh38, 1-based): chr1:149,911,868, G>A on the plus strand (C>T on the coding strand, the complement: SV2A is on the minus strand). VCF-style: chr1-149911868-G-A. GRCh37 (hg19) VCF-style: chr1-149883420-G-A.
Other names: c.735C>T, p.Phe245= (NM_001328674.2, NM_001328675.2).
Identifiers: ClinVar variation 2639154 (VCV002639154.24), dbSNP rs782320293, ClinGen allele CA1071176.